The following is an entry in ClinVar:

ClinVar aggregate classification (germline): Uncertain significance (1 of 4 stars; one submission).

Submission:

Labcorp Genetics (formerly Invitae), Labcorp
Classification: Uncertain significance. Last evaluated: 2023-06-13. Review status: criteria provided, single submitter. Criteria: Invitae Variant Classification Sherloc (09022015). Collection method: clinical testing. Allele origin: germline.
Comment: This sequence change replaces serine, which is neutral and polar, with cysteine, which is neutral and slightly polar, at codon 202 of the KLHL3 protein (p.Ser202Cys). In summary, the available evidence is currently insufficient to determine the role of this variant in disease. Therefore, it has been classified as a Variant of Uncertain Significance. Advanced modeling of protein sequence and biophysical properties (such as structural, functional, and spatial information, amino acid conservation, physicochemical variation, residue mobility, and thermodynamic stability) performed at Invitae indicates that this missense variant is not expected to disrupt KLHL3 protein function. ClinVar contains an entry for this variant (Variation ID: 2122861). This variant is not present in population databases (gnomAD no frequency). This variant has not been reported in the literature in individuals affected with KLHL3-related conditions.

NM_017415.3(KLHL3):c.604A>T (p.Ser202Cys)

Gene: KLHL3 (kelch like family member 3; minus strand). Cytogenetic location: 5q31.2.
Variant type: single nucleotide variant.
Coding change: c.604A>T on transcript NM_017415.3 (MANE Select); coding-DNA position 604, A replaced by T.
Protein change: p.Ser202Cys; replaces serine 202 with cysteine.
Molecular consequence: missense variant.
Genome position (GRCh38, 1-based): chr5:137,677,577, T>A on the plus strand (A>T on the coding strand, the complement: KLHL3 is on the minus strand). VCF-style: chr5-137677577-T-A. GRCh37 (hg19) VCF-style: chr5-137013266-T-A.
Other names: c.508A>T, p.Ser170Cys (NM_001257194.1); c.358A>T, p.Ser120Cys (NM_001257195.2); short protein forms S202C, S120C, S170C.
Identifiers: ClinVar variation 2122861 (VCV002122861.4), dbSNP rs2531754326, ClinGen allele CA361049854.
Genomic context (GRCh38, chr5:137,677,577, plus strand): 5'-CCCGTTTCCCCAGTGAGCCATGTCATACCTTCTCTTCTGAAGAAACGGTCAGCTTGTCGC[T>A]GGATATCAAGCTGCACACCTGGTCCAGACTCAGGCTAAGAAATTCTTCTCCTAGCATCAC-3'
Protein context (NP_059111.2, residues 192-212): SLDQVCSLIS[Ser202Cys]DKLTVSSEEK